The following is an entry in ClinVar:

ClinVar aggregate classification (germline): Uncertain significance (1 of 4 stars; one submission).

Conditions:
Oocyte maturation defect 4. Also called: OOCYTE/ZYGOTE/EMBRYO MATURATION ARREST 4. Identifiers: MedGen C4540284, MONDO:0021575, OMIM 617743.

gnomAD v4.1: 23 of 1,550,632 alleles (0.0015%); highest among the groups gnomAD compares: Admixed American, 0.0059%; no homozygotes.

Submission:

Juno Genomics, Hangzhou Juno Genomics, Inc
Classification: Uncertain significance for Oocyte maturation defect 4. Review status: criteria provided, single submitter. Criteria: ACMG Guidelines, 2015. Collection method: clinical testing. Allele origin: germline. Affected: yes.
Comment: Absent from controls (or at extremely low frequency if recessive) in Genome Aggregation Database.;Multiple lines of computational evidence support a deleterious effect on the gene or gene product.;For recessive disorders, detected in trans with a pathogenic variant.;Patient's phenotype or family history is highly specific for a disease with a single genetic etiology.

NM_001387263.1(PATL2):c.1126C>T (p.Arg376Trp)

Gene: PATL2 (PAT1 homolog 2; minus strand). Cytogenetic location: 15q21.1.
Variant type: single nucleotide variant.
Coding change: c.1126C>T on transcript NM_001387263.1 (MANE Select); coding-DNA position 1126, C replaced by T.
Protein change: p.Arg376Trp; replaces arginine 376 with tryptophan.
Molecular consequence: missense variant.
Genome position (GRCh38, 1-based): chr15:44,669,078, G>A on the plus strand (C>T on the coding strand, the complement: PATL2 is on the minus strand). VCF-style: chr15-44669078-G-A. GRCh37 (hg19) VCF-style: chr15-44961276-G-A.
Other names: c.1126C>T, p.Arg376Trp (NM_001145112.2, NM_001387261.1, NM_001387262.1); c.559C>T, p.Arg187Trp (NM_001330283.2); c.1033C>T, p.Arg345Trp (NM_001387260.1, NM_001387264.1); short protein forms R187W, R345W, R376W.
Identifiers: ClinVar variation 5019721 (VCV005019721.1).